The following is an entry in ClinVar:

ClinVar aggregate classification (germline): Uncertain significance. Review status: criteria provided, multiple submitters, no conflicts (2 of 4 stars). 2 submissions from 2 submitters: Uncertain significance (2). Last evaluated 2025-08-14.

Conditions:
Inborn genetic diseases. Identifiers: MedGen C0950123, MeSH D030342.
Nemaline myopathy 10 (NEM10). Identifiers: MedGen C4015360, MONDO:0014513, OMIM 616165.

Allele frequency attached by ClinVar (database versions not stated): gnomAD exomes 0.00001.
gnomAD v4.1: 8 of 1,613,950 alleles (0.0005%); highest among the groups gnomAD compares: Non-Finnish European, 0.00059%; no homozygotes.

Submissions (2):

Ambry Genetics
Classification: Uncertain significance for Inborn genetic diseases. Last evaluated: 2025-08-14. Review status: criteria provided, single submitter. Criteria: Ambry Variant Classification Scheme 2023. Collection method: clinical testing. Allele origin: germline.

Labcorp Genetics (formerly Invitae), Labcorp
Classification: Uncertain significance for Nemaline myopathy 10. Last evaluated: 2021-11-27. Review status: criteria provided, single submitter. Criteria: Invitae Variant Classification Sherloc (09022015). Collection method: clinical testing. Allele origin: germline.
Comment: This sequence change replaces lysine, which is basic and polar, with glutamic acid, which is acidic and polar, at codon 229 of the LMOD3 protein (p.Lys229Glu). This variant is not present in population databases (gnomAD no frequency). This variant has not been reported in the literature in individuals affected with LMOD3-related conditions. Algorithms developed to predict the effect of missense changes on protein structure and function are either unavailable or do not agree on the potential impact of this missense change (SIFT: "Deleterious"; PolyPhen-2: "Probably Damaging"; Align-GVGD: "Class C0"). In summary, the available evidence is currently insufficient to determine the role of this variant in disease. Therefore, it has been classified as a Variant of Uncertain Significance.

NM_198271.5(LMOD3):c.685A>G (p.Lys229Glu)

Gene: LMOD3 (leiomodin 3; minus strand). Cytogenetic location: 3p14.1.
Variant type: single nucleotide variant.
Coding change: c.685A>G on transcript NM_198271.5 (MANE Select); coding-DNA position 685, A replaced by G.
Protein change: p.Lys229Glu; replaces lysine 229 with glutamic acid.
Molecular consequence: missense variant.
Genome position (GRCh38, 1-based): chr3:69,119,670, T>C on the plus strand (A>G on the coding strand, the complement: LMOD3 is on the minus strand). VCF-style: chr3-69119670-T-C. GRCh37 (hg19) VCF-style: chr3-69168821-T-C.
Other names: c.685A>G (NM_198271.3); c.685A>G, p.Lys229Glu (NM_001304418.3); short protein forms K229E.
Identifiers: ClinVar variation 1399046 (VCV001399046.4), dbSNP rs2107526606, ClinGen allele CA353475233.